The following is an entry in ClinVar:

ClinVar aggregate classification (germline): Benign/Likely benign. Review status: criteria provided, multiple submitters, no conflicts (2 of 4 stars). 4 submissions from 4 submitters: Benign (1); Likely benign (3). Last evaluated 2024-04-08.

Conditions:
Familial adenomatous polyposis 1 (FAP1). Also called: POLYPOSIS, ADENOMATOUS INTESTINAL; FAMILIAL ADENOMATOUS POLYPOSIS 1, ATTENUATED. Identifiers: MedGen C2713442, MONDO:0021056, OMIM 175100. Disease mechanism: loss of function.
Hereditary cancer-predisposing syndrome. Also called: Hereditary Cancer Syndrome; Neoplastic Syndromes, Hereditary; Tumor predisposition; Hereditary neoplastic syndrome. Identifiers: Orphanet 140162, MedGen C0027672, MeSH D009386, MONDO:0015356.

Submissions (4):

Myriad Genetics, Inc.
Classification: Benign for Familial adenomatous polyposis 1. Last evaluated: 2024-04-08. Review status: criteria provided, single submitter. Criteria: Myriad Autosomal Dominant, Autosomal Recessive and X-Linked Classification Criteria (2023). Collection method: clinical testing. Allele origin: unknown.
Comment: This variant is considered benign. This variant is a silent/synonymous amino acid change and it is not expected to impact splicing.

Labcorp Genetics (formerly Invitae), Labcorp
Classification: Likely benign for Familial adenomatous polyposis 1. Last evaluated: 2021-07-16. Review status: criteria provided, single submitter. Criteria: Invitae Variant Classification Sherloc (09022015). Collection method: clinical testing. Allele origin: germline.

Ambry Genetics
Classification: Likely benign for Hereditary cancer-predisposing syndrome. Last evaluated: 2020-03-24. Review status: criteria provided, single submitter. Criteria: Ambry Variant Classification Scheme 2023. Collection method: clinical testing. Allele origin: germline.

Color Diagnostics, LLC DBA Color Health
Classification: Likely benign for Hereditary cancer-predisposing syndrome. Last evaluated: 2017-03-08. Review status: criteria provided, single submitter. Criteria: ACMG Guidelines, 2015. Collection method: clinical testing. Allele origin: germline.

NM_000038.6(APC):c.6966G>A (p.Gln2322=)

Gene: APC (APC regulator of Wnt signaling pathway; plus strand). Cytogenetic location: 5q22.2.
Variant type: single nucleotide variant.
Coding change: c.6966G>A on transcript NM_000038.6 (MANE Select); coding-DNA position 6966, G replaced by A.
Protein change: p.Gln2322=; no amino-acid change (glutamine 2322 retained).
Molecular consequence: synonymous variant.
Genome position (GRCh38, 1-based): chr5:112,842,560, G>A. VCF-style: chr5-112842560-G-A. GRCh37 (hg19) VCF-style: chr5-112178257-G-A.
Other names: c.6966G>A, p.Gln2322= (NM_001127510.3, NM_001354895.2); c.6912G>A, p.Gln2304= (NM_001127511.3); c.7020G>A, p.Gln2340= (NM_001354896.2); c.6996G>A, p.Gln2332= (NM_001354897.2); c.6891G>A, p.Gln2297= (NM_001354898.2); c.6882G>A, p.Gln2294= (NM_001354899.2); c.6843G>A, p.Gln2281= (NM_001354900.2); c.6789G>A, p.Gln2263= (NM_001354901.2); and 5 more.
Identifiers: ClinVar variation 490351 (VCV000490351.54), dbSNP rs786204171, ClinGen allele CA446210586.